The following is an entry in ClinVar:

NM_001429.4(EP300):c.532T>C (p.Leu178=)

Gene: EP300 (EP300 lysine acetyltransferase; plus strand). Cytogenetic location: 22q13.2.
Variant type: single nucleotide variant.
Coding change: c.532T>C on transcript NM_001429.4 (MANE Select); coding-DNA position 532, T replaced by C.
Protein change: p.Leu178=; no amino-acid change (leucine 178 retained).
Molecular consequence: synonymous variant.
Genome position (GRCh38, 1-based): chr22:41,117,624, T>C. VCF-style: chr22-41117624-T-C. GRCh37 (hg19) VCF-style: chr22-41513628-T-C.
Other names: c.532T>C, p.Leu178= (NM_001362843.2).
Identifiers: ClinVar variation 2028291 (VCV002028291.28), dbSNP rs190524661, ClinGen allele CA10252271.
Genomic context (GRCh38, chr22:41,117,624, plus strand): 5'-GTAAATCAGCCTGCCATGGGAATGAACACAGGGATGAATGCGGGCATGAATCCTGGAATG[T>C]TGGCTGCAGGCAATGGACAAGGGATAATGCCTAATCAAGTCATGAACGGTTCAATTGGAG-3'
Protein context (NP_001420.2, residues 168-188): GMNAGMNPGM[Leu178=]AAGNGQGIMP

ClinVar aggregate classification (germline): Benign/Likely benign. Review status: criteria provided, multiple submitters, no conflicts (2 of 4 stars). 2 submissions from 2 submitters: Benign (1); Likely benign (1). Last evaluated 2025-12-15.

Conditions:
Rubinstein-Taybi syndrome due to EP300 haploinsufficiency. Also called: EP300-Related Rubinstein-Taybi Syndrome; RUBINSTEIN-TAYBI SYNDROME 2. Identifiers: Orphanet 353284, Orphanet 783, MedGen C3150941, MONDO:0013364, OMIM 613684.

Allele frequency attached by ClinVar (database versions not stated): ESP Exome Variant Server 0.00008; TOPMed 0.00010; 1000 Genomes Project 30x 0.00078; gnomAD exomes 0.00083; 1000 Genomes Project 0.00100; gnomAD 0.00155; ExAC 0.00189.

Submissions (2):

Labcorp Genetics (formerly Invitae), Labcorp
Classification: Benign for Rubinstein-Taybi syndrome due to EP300 haploinsufficiency. Last evaluated: 2025-12-15. Review status: criteria provided, single submitter. Criteria: Invitae Variant Classification Sherloc (09022015). Collection method: clinical testing. Allele origin: germline.

CeGaT Center for Human Genetics Tuebingen
Classification: Likely benign. Last evaluated: 2025-12-01. Review status: criteria provided, single submitter. Criteria: CeGaT Center For Human Genetics Tuebingen Variant Classification Criteria Version 2. Collection method: clinical testing. Allele origin: germline. Affected: yes. Observed: 3 variant alleles.
Comment: EP300: BP4, BP7